The following is an entry in ClinVar:

NM_016038.4(SBDS):c.102C>G (p.Asn34Lys)

Gene: SBDS (SBDS ribosome maturation factor; minus strand). Cytogenetic location: 7q11.21.
Variant type: single nucleotide variant.
Coding change: c.102C>G on transcript NM_016038.4 (MANE Select); coding-DNA position 102, C replaced by G.
Protein change: p.Asn34Lys; replaces asparagine 34 with lysine.
Molecular consequence: missense variant.
Genome position (GRCh38, 1-based): chr7:66,995,316, G>C on the plus strand (C>G on the coding strand, the complement: SBDS is on the minus strand). VCF-style: chr7-66995316-G-C. GRCh37 (hg19) VCF-style: chr7-66460303-G-C.
Other names: short protein forms N34K.
Identifiers: ClinVar variation 3437546 (VCV003437546.1).

ClinVar aggregate classification (germline): Uncertain significance (1 of 4 stars; one submission).

Conditions:
Inborn genetic diseases. Identifiers: MedGen C0950123, MeSH D030342.

Submission:

Ambry Genetics
Classification: Uncertain significance for Inborn genetic diseases. Last evaluated: 2024-12-09. Review status: criteria provided, single submitter. Criteria: Ambry Variant Classification Scheme 2023. Collection method: clinical testing. Allele origin: germline.
Comment: The p.N34K variant (also known as c.102C>G), located in coding exon 1 of the SBDS gene, results from a C to G substitution at nucleotide position 102. The asparagine at codon 34 is replaced by lysine, an amino acid with similar properties. This amino acid position is conserved. In addition, the in silico prediction for this alteration is inconclusive. Based on the available evidence, the clinical significance of this variant remains unclear.